The following is an entry in ClinVar:

ClinVar aggregate classification (germline): Uncertain significance (1 of 4 stars; one submission).

Submission:

GeneDx
Classification: Uncertain significance. Last evaluated: 2025-11-03. Review status: criteria provided, single submitter. Criteria: GeneDx Variant Classification Process June 2021. Collection method: clinical testing. Allele origin: germline. Affected: yes.
Comment: Not observed at significant frequency in large population cohorts (gnomAD); In silico analysis supports that this missense variant does not alter protein structure/function; Has not been previously published as pathogenic or benign to our knowledge

NM_004830.4(MED23):c.353C>T (p.Thr118Ile)

Gene: MED23 (mediator complex subunit 23; minus strand). Cytogenetic location: 6q23.2.
Variant type: single nucleotide variant.
Coding change: c.353C>T on transcript NM_004830.4 (MANE Select); coding-DNA position 353, C replaced by T.
Protein change: p.Thr118Ile; replaces threonine 118 with isoleucine.
Molecular consequence: missense variant.
Genome position (GRCh38, 1-based): chr6:131,623,394, G>A on the plus strand (C>T on the coding strand, the complement: MED23 is on the minus strand). VCF-style: chr6-131623394-G-A. GRCh37 (hg19) VCF-style: chr6-131944534-G-A.
Other names: c.353C>T, p.Thr118Ile (NM_001376522.1, NM_001376523.1, NM_001376524.1 and 7 more transcripts); c.281C>T, p.Thr94Ile (NM_001376518.1); short protein forms T118I, T94I.
Identifiers: ClinVar variation 2574206 (VCV002574206.2), dbSNP rs2482882094, ClinGen allele CA365648684.